The following is an entry in ClinVar:

ClinVar aggregate classification (germline): Uncertain significance (1 of 4 stars; one submission).

gnomAD v4.1: 1 of 1,614,120 alleles (0.000062%); highest among the groups gnomAD compares: Admixed American, 0.0017%; no homozygotes.

Submission:

GeneDx
Classification: Uncertain significance. Last evaluated: 2022-05-05. Review status: criteria provided, single submitter. Criteria: GeneDx Variant Classification Process June 2021. Collection method: clinical testing. Allele origin: germline. Affected: yes.
Comment: Not observed at significant frequency in large population cohorts (gnomAD); In silico analysis supports that this missense variant has a deleterious effect on protein structure/function; Has not been previously published as pathogenic or benign to our knowledge

NM_004818.3(DDX23):c.481C>T (p.Pro161Ser)

Gene: DDX23 (DEAD-box helicase 23; minus strand). Cytogenetic location: 12q13.12.
Variant type: single nucleotide variant.
Coding change: c.481C>T on transcript NM_004818.3 (MANE Select); coding-DNA position 481, C replaced by T.
Protein change: p.Pro161Ser; replaces proline 161 with serine.
Molecular consequence: missense variant.
Genome position (GRCh38, 1-based): chr12:48,838,080, G>A on the plus strand (C>T on the coding strand, the complement: DDX23 is on the minus strand). VCF-style: chr12-48838080-G-A. GRCh37 (hg19) VCF-style: chr12-49231863-G-A.
Other names: short protein forms P161S.
Identifiers: ClinVar variation 1722889 (VCV001722889.2), dbSNP rs2498756552, ClinGen allele CA384680471.
Genomic context (GRCh38, chr12:48,838,080, plus strand): 5'-CCTCCTGCTGCCGTCGCTTTAGAGCTTCAGCCTCTCGTTCTGCTTTAGAGAGGAACTTGG[G>A]CTACAAAAGAGATTGGAACTGTCAACAAAGGATCTGGGAGCAGGGTACAATCACATCACT-3'
Protein context (NP_004809.2, residues 151-171): KKAEEEAEAK[Pro161Ser]KFLSKAEREA